The following is an entry in ClinVar:

NM_015570.4(AUTS2):c.1527C>A (p.Asp509Glu)

Gene: AUTS2 (activator of transcription and developmental regulator AUTS2; plus strand). Cytogenetic location: 7q11.22.
Variant type: single nucleotide variant.
Coding change: c.1527C>A on transcript NM_015570.4 (MANE Select); coding-DNA position 1527, C replaced by A.
Protein change: p.Asp509Glu; replaces aspartic acid 509 with glutamic acid.
Molecular consequence: missense variant.
Genome position (GRCh38, 1-based): chr7:70,766,172, C>A. VCF-style: chr7-70766172-C-A. GRCh37 (hg19) VCF-style: chr7-70231158-C-A.
Other names: c.1527C>A, p.Asp509Glu (NM_001127231.3); short protein forms D509E.
Identifiers: ClinVar variation 2439425 (VCV002439425.4), dbSNP rs2484682116, ClinGen allele CA367668770.

ClinVar aggregate classification (germline): Conflicting classifications of pathogenicity. Review status: criteria provided, conflicting classifications (1 of 4 stars). 2 submissions from 2 submitters: Uncertain significance (1); Likely benign (1). Last evaluated 2024-09-20.

Conditions:
Autism spectrum disorder due to AUTS2 deficiency (MRD26). Also called: INTELLECTUAL DEVELOPMENTAL DISORDER, AUTOSOMAL DOMINANT 26. Identifiers: Orphanet 352490, MedGen C4014435, MONDO:0014361, OMIM 615834.

Submissions (2):

3billion
Classification: Likely benign for Autism spectrum disorder due to AUTS2 deficiency. Last evaluated: 2024-09-20. Review status: criteria provided, single submitter. Criteria: ACMG Guidelines, 2015. Collection method: clinical testing. Allele origin: germline. Affected: no.
Comment: The variant was identified in at least one patient who was diagnosed with a different variant in another gene and showed no symptoms related to the gene containing the variant in question.

Revvity Omics, Revvity
Classification: Uncertain significance for Autism spectrum disorder due to AUTS2 deficiency. Last evaluated: 2020-06-30. Review status: criteria provided, single submitter. Criteria: ACMG Guidelines, 2015. Collection method: clinical testing. Allele origin: germline.